The following is an entry in ClinVar:

NM_000090.4(COL3A1):c.2156C>G (p.Ala719Gly)

Gene: COL3A1 (collagen type III alpha 1 chain; plus strand). Cytogenetic location: 2q32.2.
Variant type: single nucleotide variant.
Coding change: c.2156C>G on transcript NM_000090.4 (MANE Select); coding-DNA position 2156, C replaced by G.
Protein change: p.Ala719Gly; replaces alanine 719 with glycine.
Molecular consequence: missense variant.
Genome position (GRCh38, 1-based): chr2:188,999,504, C>G. VCF-style: chr2-188999504-C-G. GRCh37 (hg19) VCF-style: chr2-189864230-C-G.
Other names: short protein forms A719G.
Identifiers: ClinVar variation 566219 (VCV000566219.10), dbSNP rs1559058681, ClinGen allele CA349840635.

ClinVar aggregate classification (germline): Uncertain significance (1 of 4 stars; one submission).

Conditions:
Ehlers-Danlos syndrome, type 4 (EDSVASC). Also called: Ehlers-Danlos syndrome vascular type; Ehlers Danlos syndrome, ecchymotic type; Ehlers Danlos syndrome, arterial type; Ehlers Danlos syndrome, Sack-Barabas type; Ehlers-Danlos Syndrome Type IV. Identifiers: Orphanet 286, MedGen C0268338, MONDO:0017314, OMIM 130050.

Submission:

Labcorp Genetics (formerly Invitae), Labcorp
Classification: Uncertain significance for Ehlers-Danlos syndrome, type 4. Last evaluated: 2018-08-21. Review status: criteria provided, single submitter. Criteria: Invitae Variant Classification Sherloc (09022015). Collection method: clinical testing. Allele origin: germline.
Comment: In summary, the available evidence is currently insufficient to determine the role of this variant in disease. Therefore, it has been classified as a Variant of Uncertain Significance. Algorithms developed to predict the effect of missense changes on protein structure and function (SIFT, PolyPhen-2, Align-GVGD) all suggest that this variant is likely to be tolerated, but these predictions have not been confirmed by published functional studies and their clinical significance is uncertain. This variant has not been reported in the literature in individuals with COL3A1-related disease. This variant is not present in population databases (ExAC no frequency). This sequence change replaces alanine with glycine at codon 719 of the COL3A1 protein (p.Ala719Gly). The alanine residue is moderately conserved and there is a small physicochemical difference between alanine and glycine.